The following is an entry in ClinVar:

NM_001393769.1(MED12L):c.422A>G (p.Asp141Gly)

Gene: MED12L (mediator complex subunit 12L; plus strand). Cytogenetic location: 3q25.1.
Variant type: single nucleotide variant.
Coding change: c.422A>G on transcript NM_001393769.1 (MANE Select); coding-DNA position 422, A replaced by G.
Protein change: p.Asp141Gly; replaces aspartic acid 141 with glycine.
Molecular consequence: missense variant.
Genome position (GRCh38, 1-based): chr3:151,127,850, A>G. VCF-style: chr3-151127850-A-G. GRCh37 (hg19) VCF-style: chr3-150845637-A-G.
Other names: c.422A>G, p.Asp141Gly (NM_053002.6); short protein forms D141G.
Identifiers: ClinVar variation 4976489 (VCV004976489.1).

ClinVar aggregate classification (germline): Uncertain significance (1 of 4 stars; one submission).

gnomAD v4.1: 2 of 1,611,416 alleles (0.00012%); highest among the groups gnomAD compares: Admixed American, 0.0033%; no homozygotes.

Submission:

GeneDx
Classification: Uncertain significance. Last evaluated: 2026-02-09. Review status: criteria provided, single submitter. Criteria: GeneDx Variant Classification Process June 2021. Collection method: clinical testing. Allele origin: germline.
Comment: Not observed at significant frequency in large population cohorts (gnomAD); In silico analysis supports that this missense variant has a deleterious effect on protein structure/function; Has not been previously published as pathogenic or benign to our knowledge